The following is an entry in ClinVar:

NM_014026.6(DCPS):c.972C>T (p.Asp324=)

Genes: DCPS (decapping enzyme, scavenger; plus strand), GSEC (G-quadruplex forming sequence containing lncRNA; minus strand). Cytogenetic location: 11q24.2.
Variant type: single nucleotide variant.
Coding change: c.972C>T on transcript NM_014026.6 (MANE Select); coding-DNA position 972, C replaced by T.
Protein change: p.Asp324=; no amino-acid change (aspartic acid 324 retained).
Molecular consequence: synonymous variant.
Genome position (GRCh38, 1-based): chr11:126,345,571, C>T. VCF-style: chr11-126345571-C-T. GRCh37 (hg19) VCF-style: chr11-126215466-C-T.
Other names: c.993C>T, p.Asp331= (NM_001350236.2).
Identifiers: ClinVar variation 795094 (VCV000795094.9), dbSNP rs201746166, ClinGen allele CA6355209.

ClinVar aggregate classification (germline): Likely benign. Review status: criteria provided, multiple submitters, no conflicts (2 of 4 stars). 2 submissions from 2 submitters: Likely benign (2). Last evaluated 2025-11-01.

Allele frequency attached by ClinVar (database versions not stated): ExAC 0.00013; TOPMed 0.00029; ESP Exome Variant Server 0.00008; gnomAD 0.00011.
gnomAD v4.1: 214 of 1,613,588 alleles (0.013%); highest among the groups gnomAD compares: East Asian, 0.058%; no homozygotes.

Submissions (2):

CeGaT Center for Human Genetics Tuebingen
Classification: Likely benign. Last evaluated: 2025-11-01. Review status: criteria provided, single submitter. Criteria: CeGaT Center For Human Genetics Tuebingen Variant Classification Criteria Version 2. Collection method: clinical testing. Allele origin: germline. Affected: yes. Observed: 1 variant allele.
Comment: DCPS: BP4, BP7

Labcorp Genetics (formerly Invitae), Labcorp
Classification: Likely benign. Last evaluated: 2018-11-15. Review status: criteria provided, single submitter. Criteria: Invitae Variant Classification Sherloc (09022015). Collection method: clinical testing. Allele origin: germline.